The following is an entry in ClinVar:

NM_001256545.2(MEGF10):c.2687C>T (p.Thr896Ile)

Gene: MEGF10 (multiple EGF like domains 10; plus strand). Cytogenetic location: 5q23.2.
Variant type: single nucleotide variant.
Coding change: c.2687C>T on transcript NM_001256545.2 (MANE Select); coding-DNA position 2687, C replaced by T.
Protein change: p.Thr896Ile; replaces threonine 896 with isoleucine.
Molecular consequence: missense variant.
Genome position (GRCh38, 1-based): chr5:127,445,652, C>T. VCF-style: chr5-127445652-C-T. GRCh37 (hg19) VCF-style: chr5-126781344-C-T.
Other names: c.2687C>T, p.Thr896Ile (NM_032446.3); c.2687C>T (NM_032446.2); short protein forms T896I.
Identifiers: ClinVar variation 1524355 (VCV001524355.9), dbSNP rs1218321550, ClinGen allele CA360734938.

ClinVar aggregate classification (germline): Uncertain significance. Review status: criteria provided, multiple submitters, no conflicts (2 of 4 stars). 2 submissions from 2 submitters: Uncertain significance (2). Last evaluated 2025-09-10.

Conditions:
Inborn genetic diseases. Identifiers: MedGen C0950123, MeSH D030342.
MEGF10-related myopathy (CMYO10A). Also called: Congenital myopathy 10A, severe variant. Identifiers: Orphanet 439212, MedGen C3280679, MONDO:0013731, OMIM 614399.

gnomAD v4.1: 1 of 1,614,072 alleles (0.000062%); highest among the groups gnomAD compares: Non-Finnish European, 0.000085%; no homozygotes.

Submissions (2):

Ambry Genetics
Classification: Uncertain significance for Inborn genetic diseases. Last evaluated: 2025-09-10. Review status: criteria provided, single submitter. Criteria: Ambry Variant Classification Scheme 2023. Collection method: clinical testing. Allele origin: germline.

Labcorp Genetics (formerly Invitae), Labcorp
Classification: Uncertain significance for MEGF10-related myopathy. Last evaluated: 2021-07-29. Review status: criteria provided, single submitter. Criteria: Invitae Variant Classification Sherloc (09022015). Collection method: clinical testing. Allele origin: germline.
Comment: In summary, the available evidence is currently insufficient to determine the role of this variant in disease. Therefore, it has been classified as a Variant of Uncertain Significance. Algorithms developed to predict the effect of missense changes on protein structure and function are either unavailable or do not agree on the potential impact of this missense change (SIFT: "Deleterious"; PolyPhen-2: "Probably Damaging"; Align-GVGD: "Class C0"). This variant has not been reported in the literature in individuals with MEGF10-related conditions. This variant is not present in population databases (ExAC no frequency). This sequence change replaces threonine with isoleucine at codon 896 of the MEGF10 protein (p.Thr896Ile). The threonine residue is highly conserved and there is a moderate physicochemical difference between threonine and isoleucine.